The following is an entry in ClinVar:

NM_007194.4(CHEK2):c.1005G>A (p.Val335=)

Gene: CHEK2 (checkpoint kinase 2; minus strand). Cytogenetic location: 22q12.1.
Variant type: single nucleotide variant.
Coding change: c.1005G>A on transcript NM_007194.4 (MANE Select); coding-DNA position 1005, G replaced by A.
Protein change: p.Val335=; no amino-acid change (valine 335 retained).
Molecular consequence: synonymous variant.
Genome position (GRCh38, 1-based): chr22:28,699,841, C>T on the plus strand (G>A on the coding strand, the complement: CHEK2 is on the minus strand). VCF-style: chr22-28699841-C-T. GRCh37 (hg19) VCF-style: chr22-29095829-C-T.
Other names: c.1134G>A, p.Val378= (NM_001005735.3); c.342G>A, p.Val114= (NM_001257387.3); c.804G>A, p.Val268= (NM_001349956.3); c.1005G>A, p.Val335= (NM_145862.3).
Identifiers: ClinVar variation 1951343 (VCV001951343.10), dbSNP rs2052756490, ClinGen allele CA513945011.

ClinVar aggregate classification (germline): Benign/Likely benign. Review status: criteria provided, multiple submitters, no conflicts (2 of 4 stars). 4 submissions from 4 submitters: Benign (1); Likely benign (2). 1 of the submissions does not count toward it. Last evaluated 2025-04-30.

Conditions:
CHEK2-related disorder.
Hereditary cancer-predisposing syndrome. Also called: Hereditary neoplastic syndrome; Tumor predisposition; Hereditary Cancer Syndrome; Neoplastic Syndromes, Hereditary. Identifiers: Orphanet 140162, MedGen C0027672, MeSH D009386, MONDO:0015356.
Familial cancer of breast. Also called: BREAST CANCER, FAMILIAL; Hereditary breast cancer; hereditary breast carcinoma. Identifiers: Orphanet 227535, MedGen C0346153, MONDO:0016419, OMIM 114480. Disease mechanism: loss of function.

Allele frequency attached by ClinVar (database versions not stated): gnomAD exomes below 0.00001; TOPMed below 0.00001; gnomAD 0.00001.
gnomAD v4.1: 4 of 1,610,818 alleles (0.00025%); highest among the groups gnomAD compares: African/African-American, 0.004%; no homozygotes.

Submissions (4):

Labcorp Genetics (formerly Invitae), Labcorp
Classification: Likely benign for Familial cancer of breast. Last evaluated: 2025-04-30. Review status: criteria provided, single submitter. Criteria: Invitae Variant Classification Sherloc (09022015). Collection method: clinical testing. Allele origin: germline.

Myriad Genetics, Inc.
Classification: Benign for Familial cancer of breast. Last evaluated: 2024-10-04. Review status: criteria provided, single submitter. Criteria: Myriad Autosomal Dominant, Autosomal Recessive and X-Linked Classification Criteria (2023). Collection method: clinical testing. Allele origin: unknown.
Comment: This variant is considered benign. This variant is a silent/synonymous amino acid change and it is not expected to impact splicing.

Ambry Genetics
Classification: Likely benign for Hereditary cancer-predisposing syndrome. Last evaluated: 2023-05-14. Review status: criteria provided, single submitter. Criteria: Ambry Variant Classification Scheme 2023. Collection method: clinical testing. Allele origin: germline.

PreventionGenetics, part of Exact Sciences
Classification: Likely benign for CHEK2-related condition. Last evaluated: 2022-06-28. Review status: no assertion criteria provided. Collection method: clinical testing. Allele origin: germline. Not counted in ClinVar's aggregate classification.
Comment: This variant is classified as likely benign based on ACMG/AMP sequence variant interpretation guidelines (Richards et al. 2015 PMID: 25741868, with internal and published modifications).